The following is an entry in ClinVar:

ClinVar aggregate classification (germline): Uncertain significance (1 of 4 stars; one submission).

Conditions:
Febrile seizures, familial, 4 (FEB4). Also called: CONVULSIONS, FAMILIAL FEBRILE, 4. Identifiers: MedGen C1858493, MONDO:0011443, OMIM 604352.

Allele frequency attached by ClinVar (database versions not stated): gnomAD exomes below 0.00001; TOPMed below 0.00001.
gnomAD v4.1: 1 of 1,600,172 alleles (0.000062%); highest among the groups gnomAD compares: African/African-American, 0.0013%; no homozygotes.

Submission:

MGZ Medical Genetics Center
Classification: Uncertain significance for Febrile seizures, familial, 4. Last evaluated: 2022-05-30. Review status: criteria provided, single submitter. Criteria: ACMG Guidelines, 2015. Collection method: clinical testing. Allele origin: germline. Affected: yes. Observed: 1 variant allele.
Comment: ACMG criteria applied: PM2_SUP, BP4

NM_032119.4(ADGRV1):c.263C>T (p.Pro88Leu)

Gene: ADGRV1 (adhesion G protein-coupled receptor V1; plus strand). Cytogenetic location: 5q14.3.
Variant type: single nucleotide variant.
Coding change: c.263C>T on transcript NM_032119.4 (MANE Select); coding-DNA position 263, C replaced by T.
Protein change: p.Pro88Leu; replaces proline 88 with leucine.
Molecular consequence: missense variant. On other transcripts: non-coding transcript variant (1).
Genome position (GRCh38, 1-based): chr5:90,617,859, C>T. VCF-style: chr5-90617859-C-T. GRCh37 (hg19) VCF-style: chr5-89913676-C-T.
Other names: short protein forms P88L.
Identifiers: ClinVar variation 1709293 (VCV001709293.2), dbSNP rs1346584613, ClinGen allele CA360385348.